The following is an entry in ClinVar:

NM_201596.3(CACNB2):c.576A>G (p.Gln192=)

Gene: CACNB2 (calcium voltage-gated channel auxiliary subunit beta 2; plus strand). Cytogenetic location: 10p12.31.
Variant type: single nucleotide variant.
Coding change: c.576A>G on transcript NM_201596.3 (MANE Select); coding-DNA position 576, A replaced by G.
Protein change: p.Gln192=; no amino-acid change (glutamine 192 retained).
Molecular consequence: synonymous variant.
Genome position (GRCh38, 1-based): chr10:18,500,931, A>G. VCF-style: chr10-18500931-A-G. GRCh37 (hg19) VCF-style: chr10-18789860-A-G.
Other names: c.411A>G, p.Gln137= (NM_000724.4, NM_001330060.2); c.492A>G, p.Gln164= (NM_001167945.2, NM_201571.4, NM_201572.4); c.432A>G, p.Gln144= (NM_201570.3); c.414A>G, p.Gln138= (NM_201590.3); c.576A>G, p.Gln192= (NM_201593.3, NM_201597.3).
Identifiers: ClinVar variation 695827 (VCV000695827.17), dbSNP rs756710473, ClinGen allele CA5429652.

ClinVar aggregate classification (germline): Likely benign. Review status: criteria provided, multiple submitters, no conflicts (2 of 4 stars). 5 submissions from 5 submitters: Likely benign (5). Last evaluated 2026-06-04.

Conditions:
Brugada syndrome 4 (BRGDA4). Identifiers: Orphanet 130, MedGen C2678477, MONDO:0012743, OMIM 611876.
CACNB2-related disorder. Also called: CACNB2-related condition.
Cardiovascular phenotype. Identifiers: MedGen CN230736.

Allele frequency attached by ClinVar (database versions not stated): gnomAD exomes 0.00006 and 0.00016; gnomAD 0.00003; TOPMed 0.00004; ExAC 0.00006.
gnomAD v4.1: 230 of 1,613,994 alleles (0.014%); highest among the groups gnomAD compares: Non-Finnish European, 0.019%; 1 homozygote.

Submissions (5):

PreventionGenetics, part of Exact Sciences
Classification: Likely benign for CACNB2-related condition. Last evaluated: 2026-06-04. Review status: criteria provided, single submitter. Criteria: ACMG Guidelines, 2015. Collection method: clinical testing. Allele origin: germline.
Comment: This variant is classified as likely benign based on ACMG/AMP sequence variant interpretation guidelines (Richards et al. 2015 PMID: 25741868, with internal and published modifications).

Labcorp Genetics (formerly Invitae), Labcorp
Classification: Likely benign for Brugada syndrome 4. Last evaluated: 2025-12-23. Review status: criteria provided, single submitter. Criteria: Invitae Variant Classification Sherloc (09022015). Collection method: clinical testing. Allele origin: germline.

Blueprint Genetics
Classification: Likely benign. Last evaluated: 2023-05-18. Review status: criteria provided, single submitter. Criteria: ACMG Guidelines, 2015. Collection method: clinical testing. Allele origin: germline.

Ambry Genetics
Classification: Likely benign for Cardiovascular phenotype. Last evaluated: 2018-12-26. Review status: criteria provided, single submitter. Criteria: Ambry Variant Classification Scheme 2023. Collection method: clinical testing. Allele origin: germline.

GeneDx
Classification: Likely benign. Last evaluated: 2018-10-05. Review status: criteria provided, single submitter. Criteria: GeneDx Variant Classification Process June 2021. Collection method: clinical testing. Allele origin: germline. Affected: yes.